The following is an entry in ClinVar:

ClinVar aggregate classification (germline): Uncertain significance (1 of 4 stars; one submission).

Allele frequency attached by ClinVar (database versions not stated): gnomAD exomes below 0.00001; gnomAD 0.00002; TOPMed 0.00002.
gnomAD v4.1: 9 of 1,613,778 alleles (0.00056%); highest among the groups gnomAD compares: Non-Finnish European, 0.00076%; no homozygotes.

Submission:

Labcorp Genetics (formerly Invitae), Labcorp
Classification: Uncertain significance. Last evaluated: 2024-01-02. Review status: criteria provided, single submitter. Criteria: Invitae Variant Classification Sherloc (09022015). Collection method: clinical testing. Allele origin: germline.
Comment: This sequence change replaces proline, which is neutral and non-polar, with arginine, which is basic and polar, at codon 1718 of the ITPR1 protein (p.Pro1718Arg). This variant is not present in population databases (gnomAD no frequency). This variant has not been reported in the literature in individuals affected with ITPR1-related conditions. Advanced modeling of protein sequence and biophysical properties (such as structural, functional, and spatial information, amino acid conservation, physicochemical variation, residue mobility, and thermodynamic stability) performed at Invitae indicates that this missense variant is not expected to disrupt ITPR1 protein function with a negative predictive value of 95%. In summary, the available evidence is currently insufficient to determine the role of this variant in disease. Therefore, it has been classified as a Variant of Uncertain Significance.

NM_001378452.1(ITPR1):c.5342C>G (p.Pro1781Arg)

Gene: ITPR1 (inositol 1,4,5-trisphosphate receptor type 1; plus strand). Cytogenetic location: 3p26.1.
Variant type: single nucleotide variant.
Coding change: c.5342C>G on transcript NM_001378452.1 (MANE Select); coding-DNA position 5342, C replaced by G.
Protein change: p.Pro1781Arg; replaces proline 1781 with arginine.
Molecular consequence: missense variant.
Genome position (GRCh38, 1-based): chr3:4,733,209, C>G. VCF-style: chr3-4733209-C-G. GRCh37 (hg19) VCF-style: chr3-4774893-C-G.
Other names: c.5198C>G, p.Pro1733Arg (NM_001099952.4); c.5297C>G, p.Pro1766Arg (NM_001168272.2); c.5153C>G, p.Pro1718Arg (NM_002222.7); short protein forms P1781R, P1718R, P1733R, P1766R.
Identifiers: ClinVar variation 2962897 (VCV002962897.3), dbSNP rs1048199857, ClinGen allele CA68828210.